The following is an entry in ClinVar:

NM_004972.4(JAK2):c.2359T>A (p.Cys787Ser)

Genes: INSL6 (insulin like 6; minus strand), JAK2 (Janus kinase 2; plus strand). Cytogenetic location: 9p24.1.
Variant type: single nucleotide variant.
Coding change: c.2359T>A on transcript NM_004972.4 (MANE Select); coding-DNA position 2359, T replaced by A.
Protein change: p.Cys787Ser; replaces cysteine 787 with serine.
Molecular consequence: missense variant. On other transcripts: non-coding transcript variant (2).
Genome position (GRCh38, 1-based): chr9:5,080,608, T>A. VCF-style: chr9-5080608-T-A. GRCh37 (hg19) VCF-style: chr9-5080608-T-A.
Other names: c.2359T>A, p.Cys787Ser (NM_001322194.2, NM_001322195.2, NM_001322196.2); c.1144T>A, p.Cys382Ser (NM_001322198.2, NM_001322199.2); c.1912T>A, p.Cys638Ser (NM_001322204.2); short protein forms C382S, C638S, C787S.
Identifiers: ClinVar variation 1957962 (VCV001957962.6), dbSNP rs747928693, ClinGen allele CA4972126.

ClinVar aggregate classification (germline): Uncertain significance. Review status: criteria provided, multiple submitters, no conflicts (2 of 4 stars). 2 submissions from 2 submitters: Uncertain significance (2). Last evaluated 2024-12-12.

Conditions:
Inborn genetic diseases. Identifiers: MedGen C0950123, MeSH D030342.

Allele frequency attached by ClinVar (database versions not stated): ExAC 0.00002.

Submissions (2):

Ambry Genetics
Classification: Uncertain significance for Inborn genetic diseases. Last evaluated: 2024-12-12. Review status: criteria provided, single submitter. Criteria: Ambry Variant Classification Scheme 2023. Collection method: clinical testing. Allele origin: germline.

Labcorp Genetics (formerly Invitae), Labcorp
Classification: Uncertain significance. Last evaluated: 2022-08-03. Review status: criteria provided, single submitter. Criteria: Invitae Variant Classification Sherloc (09022015). Collection method: clinical testing. Allele origin: germline.
Comment: In summary, the available evidence is currently insufficient to determine the role of this variant in disease. Therefore, it has been classified as a Variant of Uncertain Significance. This sequence change replaces cysteine, which is neutral and slightly polar, with serine, which is neutral and polar, at codon 787 of the JAK2 protein (p.Cys787Ser). This variant is present in population databases (rs747928693, gnomAD 0.003%). This variant has not been reported in the literature in individuals affected with JAK2-related conditions. Algorithms developed to predict the effect of missense changes on protein structure and function are either unavailable or do not agree on the potential impact of this missense change (SIFT: "Deleterious"; PolyPhen-2: "Probably Damaging"; Align-GVGD: "Class C0").